The following is an entry in ClinVar:

NM_004385.5(VCAN):c.5270A>G (p.Glu1757Gly)

Genes: VCAN (versican; plus strand), VCAN-AS1 (VCAN antisense RNA 1; minus strand). Cytogenetic location: 5q14.3.
Variant type: single nucleotide variant.
Coding change: c.5270A>G on transcript NM_004385.5 (MANE Select); coding-DNA position 5270, A replaced by G.
Protein change: p.Glu1757Gly; replaces glutamic acid 1757 with glycine.
Molecular consequence: missense variant. On other transcripts: intron variant (2).
Genome position (GRCh38, 1-based): chr5:83,538,273, A>G. VCF-style: chr5-83538273-A-G. GRCh37 (hg19) VCF-style: chr5-82834092-A-G.
Other names: c.2309A>G, p.Glu770Gly (NM_001164097.2); c.4004-7264A>G (NM_001164098.2); c.1043-7264A>G (NM_001126336.3); short protein forms E770G, E1757G.
Identifiers: ClinVar variation 1417855 (VCV001417855.8), dbSNP rs1191243609, ClinGen allele CA360310045.

ClinVar aggregate classification (germline): Uncertain significance (1 of 4 stars; one submission).

Allele frequency attached by ClinVar (database versions not stated): gnomAD exomes below 0.00001; gnomAD 0.00001; TOPMed 0.00002.
gnomAD v4.1: 4 of 1,613,952 alleles (0.00025%); highest among the groups gnomAD compares: African/African-American, 0.0013%; no homozygotes.

Submission:

Labcorp Genetics (formerly Invitae), Labcorp
Classification: Uncertain significance. Last evaluated: 2021-05-10. Review status: criteria provided, single submitter. Criteria: Invitae Variant Classification Sherloc (09022015). Collection method: clinical testing. Allele origin: germline.
Comment: In summary, the available evidence is currently insufficient to determine the role of this variant in disease. Therefore, it has been classified as a Variant of Uncertain Significance. Algorithms developed to predict the effect of missense changes on protein structure and function output the following: SIFT: "Deleterious"; PolyPhen-2: "Benign"; Align-GVGD: "Class C65". The glycine amino acid residue is found in multiple mammalian species, suggesting that this missense change does not adversely affect protein function. These predictions have not been confirmed by published functional studies and their clinical significance is uncertain. This variant has not been reported in the literature in individuals with VCAN-related conditions. This variant is not present in population databases (ExAC no frequency). This sequence change replaces glutamic acid with glycine at codon 1757 of the VCAN protein (p.Glu1757Gly). The glutamic acid residue is highly conserved and there is a moderate physicochemical difference between glutamic acid and glycine.